The following is an entry in ClinVar:

NM_014055.4(IFT81):c.945+3A>G

Gene: IFT81 (intraflagellar transport 81; plus strand). Cytogenetic location: 12q24.11.
Variant type: single nucleotide variant.
Coding change: c.945+3A>G on transcript NM_014055.4 (MANE Select); 3 bases into the intron after coding-DNA position 945, A replaced by G.
Molecular consequence: intron variant.
Genome position (GRCh38, 1-based): chr12:110,143,548, A>G. VCF-style: chr12-110143548-A-G. GRCh37 (hg19) VCF-style: chr12-110581353-A-G.
Other names: c.16-3405A>G (NM_001347948.2, NM_001347947.2); c.945+3A>G (NM_001143779.2, NM_031473.4, NM_001347946.2).
Identifiers: ClinVar variation 3647683 (VCV003647683.2).

ClinVar aggregate classification (germline): Uncertain significance (1 of 4 stars; one submission).

Submission:

Labcorp Genetics (formerly Invitae), Labcorp
Classification: Uncertain significance. Last evaluated: 2024-03-26. Review status: criteria provided, single submitter. Criteria: Invitae Variant Classification Sherloc (09022015). Collection method: clinical testing. Allele origin: germline.
Comment: This sequence change falls in intron 9 of the IFT81 gene. It does not directly change the encoded amino acid sequence of the IFT81 protein. It affects a nucleotide within the consensus splice site. This variant is not present in population databases (gnomAD no frequency). This variant has not been reported in the literature in individuals affected with IFT81-related conditions. Variants that disrupt the consensus splice site are a relatively common cause of aberrant splicing (PMID: 17576681, 9536098). Algorithms developed to predict the effect of sequence changes on RNA splicing suggest that this variant may disrupt the consensus splice site. In summary, the available evidence is currently insufficient to determine the role of this variant in disease. Therefore, it has been classified as a Variant of Uncertain Significance.

Literature cited by the submitters: PubMed 17576681; PubMed 9536098.